The following is an entry in ClinVar:

ClinVar aggregate classification (germline): Conflicting classifications of pathogenicity. Review status: criteria provided, conflicting classifications (1 of 4 stars). 9 submissions from 9 submitters: Uncertain significance (2); Likely benign (5). 2 of the submissions do not count toward it. Last evaluated 2026-05-01.

Conditions:
SLC26A1-related disorder. Also called: SLC26A1-related condition.
Nephrolithiasis, calcium oxalate. Also called: Calcium oxalate urolithiasis. Identifiers: MedGen C1833683, MONDO:0957318, HP:0008672.

Allele frequency attached by ClinVar (database versions not stated): 1000 Genomes Project 30x 0.00047; 1000 Genomes Project 0.00060; gnomAD 0.00158 and 0.00161; TOPMed 0.00159; ESP Exome Variant Server 0.00170; gnomAD exomes 0.00214; ExAC 0.00340.
gnomAD v4.1: 3,928 of 1,582,006 alleles (0.25%); highest among the groups gnomAD compares: Non-Finnish European, 0.28%; 8 homozygotes.

Submissions (9):

CeGaT Center for Human Genetics Tuebingen
Classification: Likely benign. Last evaluated: 2026-05-01. Review status: criteria provided, single submitter. Criteria: CeGaT Center For Human Genetics Tuebingen Variant Classification Criteria Version 2. Collection method: clinical testing. Allele origin: germline. Affected: yes. Observed: 1 variant allele.
Comment: SLC26A1: BS1

Labcorp Genetics (formerly Invitae), Labcorp
Classification: Likely benign. Last evaluated: 2026-01-15. Review status: criteria provided, single submitter. Criteria: Invitae Variant Classification Sherloc (09022015). Collection method: clinical testing. Allele origin: germline.

Blueprint Genetics
Classification: Likely benign. Last evaluated: 2024-11-22. Review status: criteria provided, single submitter. Criteria: ACMG Guidelines, 2015. Collection method: clinical testing. Allele origin: germline.

Mayo Clinic Laboratories, Mayo Clinic
Classification: Uncertain significance. Last evaluated: 2022-12-15. Review status: criteria provided, single submitter. Criteria: ACMG Guidelines, 2015. Collection method: clinical testing. Allele origin: germline. Observed: 3 variant alleles.

Revvity Omics, Revvity
Classification: Uncertain significance. Last evaluated: 2022-06-28. Review status: criteria provided, single submitter. Criteria: ACMG Guidelines, 2015. Collection method: clinical testing. Allele origin: germline.

Fulgent Genetics
Classification: Likely benign for Nephrolithiasis susceptibility caused by SLC26A1. Last evaluated: 2021-07-19. Review status: criteria provided, single submitter. Criteria: ACMG Guidelines, 2015. Collection method: clinical testing. Allele origin: unknown.

Breakthrough Genomics
Classification: Likely benign. Review status: criteria provided, single submitter. Criteria: ACMG Guidelines, 2015. Collection method: not provided. Allele origin: germline. Inheritance: Autosomal recessive inheritance. Affected: yes.

PreventionGenetics, part of Exact Sciences
Classification: Likely benign for SLC26A1-related condition. Last evaluated: 2019-10-30. Review status: no assertion criteria provided. Collection method: clinical testing. Allele origin: germline. Not counted in ClinVar's aggregate classification.
Comment: This variant is classified as likely benign based on ACMG/AMP sequence variant interpretation guidelines (Richards et al. 2015 PMID: 25741868, with internal and published modifications).

Martin Pollak Laboratory,  Beth Israel Deaconess Medical Center
Classification: Uncertain significance. Review status: no assertion criteria provided. Collection method: not provided. Allele origin: unknown. Not counted in ClinVar's aggregate classification.
Comment: Lower UCa2+ group
ClinVar note: Converted during submission from unknown to Uncertain significance.

NM_022042.4(SLC26A1):c.1906G>T (p.Asp636Tyr)

Genes: IDUA (alpha-L-iduronidase; plus strand), SLC26A1 (solute carrier family 26 member 1; minus strand). Cytogenetic location: 4p16.3.
Variant type: single nucleotide variant.
Coding change: c.1906G>T on transcript NM_022042.4 (MANE Select); coding-DNA position 1906, G replaced by T.
Protein change: p.Asp636Tyr; replaces aspartic acid 636 with tyrosine.
Molecular consequence: missense variant. On other transcripts: intron variant (2).
Genome position (GRCh38, 1-based): chr4:989,033, C>A on the plus strand (G>T on the coding strand, the complement: SLC26A1 is on the minus strand). VCF-style: chr4-989033-C-A. GRCh37 (hg19) VCF-style: chr4-982821-C-A.
Other names: p.Asp636Tyr; c.1906G>T (NM_022042.3); c.1906G>T, p.Asp636Tyr (NM_213613.4); c.576+2095G>T (NM_134425.4); c.299+1084C>A (NM_000203.5); short protein forms D636Y.
Identifiers: ClinVar variation 64588 (VCV000064588.20), dbSNP rs146466185, ClinGen allele CA216459.